The following is an entry in ClinVar:

NM_001198800.3(ASCC1):c.107A>G (p.Tyr36Cys)

Gene: ASCC1 (activating signal cointegrator 1 complex subunit 1; minus strand). Cytogenetic location: 10q22.1.
Variant type: single nucleotide variant.
Coding change: c.107A>G on transcript NM_001198800.3 (MANE Select); coding-DNA position 107, A replaced by G.
Protein change: p.Tyr36Cys; replaces tyrosine 36 with cysteine.
Molecular consequence: missense variant. On other transcripts: 5 prime UTR variant (5), non-coding transcript variant (1).
Genome position (GRCh38, 1-based): chr10:72,213,192, T>C on the plus strand (A>G on the coding strand, the complement: ASCC1 is on the minus strand). VCF-style: chr10-72213192-T-C. GRCh37 (hg19) VCF-style: chr10-73972950-T-C.
Other names: c.107A>G, p.Tyr36Cys (NM_001198798.2, NM_001198799.3, NM_001369087.1 and 19 more transcripts); c.173A>G, p.Tyr58Cys (NM_001369085.1, NM_001369086.1, NM_001369099.1); c.-109A>G (NM_001369101.1, NM_001369102.1, NM_001369105.1 and 2 more transcripts); short protein forms Y58C, Y36C.
Identifiers: ClinVar variation 714485 (VCV000714485.53), dbSNP rs145940742, ClinGen allele CA5549164.

ClinVar aggregate classification (germline): Conflicting classifications of pathogenicity. Review status: criteria provided, conflicting classifications (1 of 4 stars). 4 submissions from 4 submitters: Uncertain significance (2); Likely benign (1). 1 of the submissions does not count toward it. Last evaluated 2025-12-18.

Conditions:
ASCC1-related disorder. Also called: ASCC1-Related Disorders; ASCC1-related condition.
Spinal muscular atrophy with congenital bone fractures 2 (SMABF2). Identifiers: MedGen C4225176, MONDO:0014807, OMIM 616867.

Allele frequency attached by ClinVar (database versions not stated): gnomAD exomes 0.00017 and 0.00046; ExAC 0.00058; gnomAD 0.00175 and 0.00183; TOPMed 0.00187; ESP Exome Variant Server 0.00238; 1000 Genomes Project 0.00280; 1000 Genomes Project 30x 0.00281.
gnomAD v4.1: 536 of 1,604,514 alleles (0.033%); highest among the groups gnomAD compares: African/African-American, 0.63%; 2 homozygotes.

Submissions (4):

Labcorp Genetics (formerly Invitae), Labcorp
Classification: Likely benign. Last evaluated: 2025-12-18. Review status: criteria provided, single submitter. Criteria: Invitae Variant Classification Sherloc (09022015). Collection method: clinical testing. Allele origin: germline.

Baylor Genetics
Classification: Uncertain significance for Spinal muscular atrophy with congenital bone fractures 2. Last evaluated: 2019-07-13. Review status: criteria provided, single submitter. Criteria: ACMG Guidelines, 2015. Collection method: clinical testing. Allele origin: unknown. Affected: yes.
Comment: This variant was determined to be of uncertain significance according to ACMG Guidelines, 2015 [PMID:25741868].

CeGaT Center for Human Genetics Tuebingen
Classification: Uncertain significance. Last evaluated: 2017-12-01. Review status: criteria provided, single submitter. Criteria: CeGaT Center For Human Genetics Tuebingen Variant Classification Criteria Version 2. Collection method: clinical testing. Allele origin: germline. Affected: yes. Observed: 1 variant allele.

PreventionGenetics, part of Exact Sciences
Classification: Likely benign for ASCC1-related condition. Last evaluated: 2020-06-22. Review status: no assertion criteria provided. Collection method: clinical testing. Allele origin: germline. Not counted in ClinVar's aggregate classification.
Comment: This variant is classified as likely benign based on ACMG/AMP sequence variant interpretation guidelines (Richards et al. 2015 PMID: 25741868, with internal and published modifications).